The following is an entry in ClinVar:

NM_015978.3(TNNI3K):c.1834T>C (p.Phe612Leu)

Genes: FPGT-TNNI3K (FPGT-TNNI3K readthrough; plus strand), TNNI3K (TNNI3 interacting kinase; plus strand). Cytogenetic location: 1p31.1.
Variant type: single nucleotide variant.
Coding change: c.1834T>C on transcript NM_015978.3 (MANE Select); coding-DNA position 1834, T replaced by C.
Protein change: p.Phe612Leu; replaces phenylalanine 612 with leucine.
Molecular consequence: missense variant.
Genome position (GRCh38, 1-based): chr1:74,436,482, T>C. VCF-style: chr1-74436482-T-C. GRCh37 (hg19) VCF-style: chr1-74902166-T-C.
Other names: c.2137T>C, p.Phe713Leu (NM_001112808.3, NM_001199327.2); short protein forms F612L, F713L.
Identifiers: ClinVar variation 1501203 (VCV001501203.6), dbSNP rs2100663251, ClinGen allele CA340788907.

ClinVar aggregate classification (germline): Uncertain significance (1 of 4 stars; one submission).

Submission:

Labcorp Genetics (formerly Invitae), Labcorp
Classification: Uncertain significance. Last evaluated: 2025-04-23. Review status: criteria provided, single submitter. Criteria: Invitae Variant Classification Sherloc (09022015). Collection method: clinical testing. Allele origin: germline.
Comment: This sequence change replaces phenylalanine, which is neutral and non-polar, with leucine, which is neutral and non-polar, at codon 612 of the TNNI3K protein (p.Phe612Leu). This variant is not present in population databases (gnomAD no frequency). This variant has not been reported in the literature in individuals affected with TNNI3K-related conditions. ClinVar contains an entry for this variant (Variation ID: 1501203). An algorithm developed to predict the effect of missense changes on protein structure and function (PolyPhen-2) suggests that this variant is likely to be disruptive. In summary, the available evidence is currently insufficient to determine the role of this variant in disease. Therefore, it has been classified as a Variant of Uncertain Significance.